The following is an entry in ClinVar:

ClinVar aggregate classification (germline): Uncertain significance (1 of 4 stars; one submission).

Conditions:
Hyperekplexia 2 (HKPX2). Identifiers: Orphanet 3197, MedGen C3553291, MONDO:0013828, OMIM 614619.

Allele frequency attached by ClinVar (database versions not stated): gnomAD exomes below 0.00001.
gnomAD v4.1: 2 of 1,613,778 alleles (0.00012%); highest among the groups gnomAD compares: Non-Finnish European, 0.00017%; no homozygotes.

Submission:

Labcorp Genetics (formerly Invitae), Labcorp
Classification: Uncertain significance for Hyperekplexia 2. Last evaluated: 2019-05-06. Review status: criteria provided, single submitter. Criteria: Invitae Variant Classification Sherloc (09022015). Collection method: clinical testing. Allele origin: germline.
Comment: This sequence change replaces proline with serine at codon 321 of the GLRB protein (p.Pro321Ser). The proline residue is highly conserved and there is a moderate physicochemical difference between proline and serine. This variant is not present in population databases (ExAC no frequency). This variant has not been reported in the literature in individuals with GLRB-related conditions. Algorithms developed to predict the effect of missense changes on protein structure and function (SIFT, PolyPhen-2, Align-GVGD) all suggest that this variant is likely to be disruptive, but these predictions have not been confirmed by published functional studies and their clinical significance is uncertain. In summary, the available evidence is currently insufficient to determine the role of this variant in disease. Therefore, it has been classified as a Variant of Uncertain Significance.

NM_000824.5(GLRB):c.961C>T (p.Pro321Ser)

Gene: GLRB (glycine receptor beta; plus strand). Cytogenetic location: 4q32.1.
Variant type: single nucleotide variant.
Coding change: c.961C>T on transcript NM_000824.5 (MANE Select); coding-DNA position 961, C replaced by T.
Protein change: p.Pro321Ser; replaces proline 321 with serine.
Molecular consequence: missense variant. On other transcripts: intron variant (1).
Genome position (GRCh38, 1-based): chr4:157,152,774, C>T. VCF-style: chr4-157152774-C-T. GRCh37 (hg19) VCF-style: chr4-158073926-C-T.
Other names: c.961C>T, p.Pro321Ser (NM_001166060.2); c.904+8815C>T (NM_001166061.2); short protein forms P321S.
Identifiers: ClinVar variation 951689 (VCV000951689.1), dbSNP rs1737073395, ClinGen allele CA358644318.